The following is an entry in ClinVar:

ClinVar aggregate classification (germline): Uncertain significance (1 of 4 stars; one submission).

Conditions:
Hereditary pheochromocytoma and paraganglioma. Also called: Hereditary pheochromocytoma-paraganglioma; Hereditary Paraganglioma-Pheochromocytoma Syndromes; Hereditary paragangliomas and pheochromocytomas. Identifiers: Orphanet 29072, MedGen C4274332, MONDO:0017366.

Submission:

Labcorp Genetics (formerly Invitae), Labcorp
Classification: Uncertain significance for Hereditary pheochromocytoma and paraganglioma. Last evaluated: 2025-07-18. Review status: criteria provided, single submitter. Criteria: Invitae Variant Classification Sherloc (09022015). Collection method: clinical testing. Allele origin: germline.
Comment: This sequence change replaces leucine, which is neutral and non-polar, with proline, which is neutral and non-polar, at codon 79 of the TMEM127 protein (p.Leu79Pro). This variant is not present in population databases (gnomAD no frequency). This variant has not been reported in the literature in individuals affected with TMEM127-related conditions. An algorithm developed to predict the effect of missense changes on protein structure and function (PolyPhen-2) suggests that this variant is likely to be disruptive. In summary, the available evidence is currently insufficient to determine the role of this variant in disease. Therefore, it has been classified as a Variant of Uncertain Significance.

NM_017849.4(TMEM127):c.236T>C (p.Leu79Pro)

Gene: TMEM127 (transmembrane protein 127; minus strand). Cytogenetic location: 2q11.2.
Variant type: single nucleotide variant.
Coding change: c.236T>C on transcript NM_017849.4 (MANE Select); coding-DNA position 236, T replaced by C.
Protein change: p.Leu79Pro; replaces leucine 79 with proline.
Molecular consequence: missense variant. On other transcripts: intron variant (1).
Genome position (GRCh38, 1-based): chr2:96,265,146, A>G on the plus strand (T>C on the coding strand, the complement: TMEM127 is on the minus strand). VCF-style: chr2-96265146-A-G. GRCh37 (hg19) VCF-style: chr2-96930884-A-G.
Other names: c.236T>C, p.Leu79Pro (NM_001193304.3); c.-9+723T>C (NM_001407283.1); short protein forms L79P.
Identifiers: ClinVar variation 4723425 (VCV004723425.1).